The following is an entry in ClinVar:

ClinVar aggregate classification (germline): Uncertain significance (1 of 4 stars; one submission).

Submission:

GeneDx
Classification: Uncertain significance. Last evaluated: 2023-11-17. Review status: criteria provided, single submitter. Criteria: GeneDx Variant Classification Process June 2021. Collection method: clinical testing. Allele origin: germline. Affected: yes.
Comment: Not observed in large population cohorts (gnomAD); In-frame deletion of 1 amino acid in a non-repeat region; In silico analysis supports a deleterious effect on protein structure/function; Has not been previously published as pathogenic or benign to our knowledge

NM_003242.6(TGFBR2):c.554TCT[1] (p.Phe186del)

Gene: TGFBR2 (transforming growth factor beta receptor 2; plus strand). Cytogenetic location: 3p24.1.
Variant type: Microsatellite.
Coding change: c.554TCT[1] on transcript NM_003242.6 (MANE Select); one copy of the 3-base unit TCT starting at c.554; the reference has two copies in a row; one copy, 3 bases deleted.
Protein change: p.Phe186del; deletes phenylalanine 186.
Molecular consequence: inframe deletion. On other transcripts: inframe indel (13).
Genome position (GRCh38, 1-based): chr3:30,671,740-30,671,742, TCT deleted; deleting any 3 consecutive bases within chr3:30,671,737-30,671,742 gives the same sequence; the position shown is the placement nearest the transcript's 3' end. VCF-style (leftmost placement, unchanged base first): chr3-30671736-ATCT-A. GRCh37 (hg19) VCF-style: chr3-30713228-ATCT-A.
Other names: c.629_631TCT[1], p.Phe211del (NM_001024847.3); c.737_739TCT[1], p.Phe247del (NM_001407126.1); c.662_664TCT[1], p.Phe222del (NM_001407127.1); c.581_583TCT[1], p.Phe195del (NM_001407128.1); c.557_559TCT[1], p.Phe187del (NM_001407129.1); c.554_556TCT[1], p.Phe186del (NM_001407130.1); c.449_451TCT[1], p.Phe151del (NM_001407132.1, NM_001407133.1, NM_001407134.1 and 2 more transcripts); c.269_271TCT[1], p.Phe91del (NM_001407137.1); and 1 more; short protein forms F186del, F211del, F91del, F151del, F187del, F247del, F66del, F195del.
Identifiers: ClinVar variation 1312909 (VCV001312909.4), dbSNP rs1699341292, ClinGen allele CA1046447118.